The following is an entry in ClinVar:

ClinVar aggregate classification (germline): Uncertain significance (0 of 4 stars; one submission).

Conditions:
LRP2-related disorder. Also called: LRP2-related condition.

gnomAD v4.1: 1 of 1,612,694 alleles (0.000062%); highest among the groups gnomAD compares: Non-Finnish European, 0.000085%; no homozygotes.

Submission:

PreventionGenetics, part of Exact Sciences
Classification: Uncertain significance for LRP2-related condition. Last evaluated: 2024-08-24. Review status: no assertion criteria provided. Collection method: clinical testing. Allele origin: germline.
Comment: The LRP2 c.2528C>A variant is predicted to result in the amino acid substitution p.Thr843Asn. To our knowledge, this variant has not been reported in the literature or in a large population database, indicating this variant is rare. At this time, the clinical significance of this variant is uncertain due to the absence of conclusive functional and genetic evidence.

NM_004525.3(LRP2):c.2528C>A (p.Thr843Asn)

Gene: LRP2 (LDL receptor related protein 2; minus strand). Cytogenetic location: 2q31.1.
Variant type: single nucleotide variant.
Coding change: c.2528C>A on transcript NM_004525.3 (MANE Select); coding-DNA position 2528, C replaced by A.
Protein change: p.Thr843Asn; replaces threonine 843 with asparagine.
Molecular consequence: missense variant.
Genome position (GRCh38, 1-based): chr2:169,257,235, G>T on the plus strand (C>A on the coding strand, the complement: LRP2 is on the minus strand). VCF-style: chr2-169257235-G-T. GRCh37 (hg19) VCF-style: chr2-170113745-G-T.
Other names: short protein forms T843N.
Identifiers: ClinVar variation 3357996 (VCV003357996.1).